The following is an entry in ClinVar:

ClinVar aggregate classification (germline): Uncertain significance (1 of 4 stars; one submission).

Conditions:
Cardiovascular phenotype. Identifiers: MedGen CN230736.
Hereditary cancer-predisposing syndrome. Also called: Neoplastic Syndromes, Hereditary; Tumor predisposition; Hereditary Cancer Syndrome; Hereditary neoplastic syndrome. Identifiers: Orphanet 140162, MedGen C0027672, MeSH D009386, MONDO:0015356.

Submission:

Ambry Genetics
Classification: Uncertain significance for Cardiovascular phenotype; Hereditary cancer-predisposing syndrome. Last evaluated: 2026-05-22. Review status: criteria provided, single submitter. Criteria: Ambry Variant Classification Scheme 2023. Collection method: clinical testing. Allele origin: germline.
Comment: The p.P516T variant (also known as c.1546C>A), located in coding exon 14 of the NF1 gene, results from a C to A substitution at nucleotide position 1546. The proline at codon 516 is replaced by threonine, an amino acid with highly similar properties. This amino acid position is well conserved in available vertebrate species. In addition, this alteration is predicted to be tolerated by in silico analysis. Based on the available evidence, the clinical significance of this variant remains unclear.

NM_001042492.3(NF1):c.1546C>A (p.Pro516Thr)

Gene: NF1 (neurofibromin 1; plus strand). Cytogenetic location: 17q11.2.
Variant type: single nucleotide variant.
Coding change: c.1546C>A on transcript NM_001042492.3 (MANE Select); coding-DNA position 1546, C replaced by A.
Protein change: p.Pro516Thr; replaces proline 516 with threonine.
Molecular consequence: missense variant.
Genome position (GRCh38, 1-based): chr17:31,219,023, C>A. VCF-style: chr17-31219023-C-A. GRCh37 (hg19) VCF-style: chr17-29546041-C-A.
Other names: c.1546C>A, p.Pro516Thr (NM_000267.4, NM_001128147.3); short protein forms P516T.
Identifiers: ClinVar variation 1774933 (VCV001774933.3), dbSNP rs2143985837, ClinGen allele CA399001850.